The following is an entry in ClinVar:

ClinVar aggregate classification (germline): Likely pathogenic (1 of 4 stars; one submission).

Conditions:
ALG6-congenital disorder of glycosylation 1C (CDG1C). Also called: Congenital disorder of glycosylation, type Ic; Congenital disorder of glycosylation type 1C; CDG Ic; CARBOHYDRATE-DEFICIENT GLYCOPROTEIN SYNDROME, TYPE I, WITH DEFICIENT GLYCOSYLATION OF DOLICHOL-LINKED OLIGOSACCHARIDE; CARBOHYDRATE-DEFICIENT GLYCOPROTEIN SYNDROME, TYPE V. Identifiers: Orphanet 79320, MedGen C2930997, MONDO:0011291, OMIM 603147.

Submission:

Myriad Genetics, Inc.
Classification: Likely pathogenic for ALG6-congenital disorder of glycosylation 1C. Last evaluated: 2022-02-27. Review status: criteria provided, single submitter. Criteria: Myriad Women's Health Autosomal Recessive and X-Linked Classification Criteria (2021). Collection method: clinical testing. Allele origin: unknown.
Comment: NM_013339.3(ALG6):c.670A>T(K224*) is expected to be pathogenic in the context of congenital disorder of glycosylation type Ic. This variant is predicted to lead to an abnormal or absent protein product due to the creation of a premature termination codon in ALG6, a gene where loss-of-function variants are known to be pathogenic. Please note: this variant was assessed in the context of healthy population screening.

NM_013339.4(ALG6):c.670A>T (p.Lys224Ter)

Gene: ALG6 (ALG6 alpha-1,3-glucosyltransferase; plus strand). Cytogenetic location: 1p31.3.
Variant type: single nucleotide variant.
Coding change: c.670A>T on transcript NM_013339.4 (MANE Select); coding-DNA position 670, A replaced by T.
Protein change: p.Lys224Ter; replaces lysine 224 with a stop codon.
Molecular consequence: nonsense.
Genome position (GRCh38, 1-based): chr1:63,411,321, A>T. VCF-style: chr1-63411321-A-T. GRCh37 (hg19) VCF-style: chr1-63876992-A-T.
Other names: short protein forms K224*.
Identifiers: ClinVar variation 1724796 (VCV001724796.2), dbSNP rs2523748430, ClinGen allele CA340635226.